The following is an entry in ClinVar:

NM_004370.6(COL12A1):c.7008C>T (p.Asp2336=)

Gene: COL12A1 (collagen type XII alpha 1 chain; minus strand). Cytogenetic location: 6q13.
Variant type: single nucleotide variant.
Coding change: c.7008C>T on transcript NM_004370.6 (MANE Select); coding-DNA position 7008, C replaced by T.
Protein change: p.Asp2336=; no amino-acid change (aspartic acid 2336 retained).
Molecular consequence: synonymous variant.
Genome position (GRCh38, 1-based): chr6:75,121,380, G>A on the plus strand (C>T on the coding strand, the complement: COL12A1 is on the minus strand). VCF-style: chr6-75121380-G-A. GRCh37 (hg19) VCF-style: chr6-75831096-G-A.
Other names: p.Asp2336=; c.3516C>T, p.Asp1172= (NM_080645.3).
Identifiers: ClinVar variation 705562 (VCV000705562.18), dbSNP rs377413592, ClinGen allele CA3892669.

ClinVar aggregate classification (germline): Likely benign. Review status: criteria provided, multiple submitters, no conflicts (2 of 4 stars). 7 submissions from 7 submitters: Likely benign (7). Last evaluated 2026-04-01.

Conditions:
COL12A1-related disorder. Also called: COL12A1-related condition.
Ullrich congenital muscular dystrophy 2 (UCMD2). Identifiers: Orphanet 75840, MedGen C4225314, MONDO:0014654, OMIM 616470.
Bethlem myopathy 2 (BTHLM2). Identifiers: Orphanet 536516, Orphanet 610, MedGen C4225313, MONDO:0034022, OMIM 616471.

Allele frequency attached by ClinVar (database versions not stated): TOPMed 0.00011; gnomAD exomes 0.00014 and 0.00025; gnomAD 0.00016 and 0.00017; ExAC 0.00017; ESP Exome Variant Server 0.00017.
gnomAD v4.1: 380 of 1,611,526 alleles (0.024%); highest among the groups gnomAD compares: Non-Finnish European, 0.028%; 1 homozygote.

Submissions (7):

CeGaT Center for Human Genetics Tuebingen
Classification: Likely benign. Last evaluated: 2026-04-01. Review status: criteria provided, single submitter. Criteria: CeGaT Center For Human Genetics Tuebingen Variant Classification Criteria Version 2. Collection method: clinical testing. Allele origin: germline. Affected: yes. Observed: 1 variant allele.
Comment: COL12A1: BP4, BP7

Labcorp Genetics (formerly Invitae), Labcorp
Classification: Likely benign for Bethlem myopathy 2; Ullrich congenital muscular dystrophy 2. Last evaluated: 2026-01-12. Review status: criteria provided, single submitter. Criteria: Invitae Variant Classification Sherloc (09022015). Collection method: clinical testing. Allele origin: germline.

Mayo Clinic Laboratories, Mayo Clinic
Classification: Likely benign. Last evaluated: 2025-10-21. Review status: criteria provided, single submitter. Criteria: ACMG Guidelines, 2015. Collection method: clinical testing. Allele origin: germline. Observed: 1 variant allele.
Comment: BP4, BP7

Women's Health and Genetics/Laboratory Corporation of America, LabCorp
Classification: Likely benign. Last evaluated: 2025-05-05. Review status: criteria provided, single submitter. Criteria: LabCorp Variant Classification Summary - May 2015. Collection method: clinical testing. Allele origin: germline.

PreventionGenetics, part of Exact Sciences
Classification: Likely benign for COL12A1-related condition. Last evaluated: 2025-02-10. Review status: criteria provided, single submitter. Criteria: ACMG Guidelines, 2015. Collection method: clinical testing. Allele origin: germline.
Comment: This variant is classified as likely benign based on ACMG/AMP sequence variant interpretation guidelines (Richards et al. 2015 PMID: 25741868, with internal and published modifications).

Fulgent Genetics
Classification: Likely benign for Ullrich congenital muscular dystrophy 2; Bethlem myopathy 2. Last evaluated: 2021-08-24. Review status: criteria provided, single submitter. Criteria: ACMG Guidelines, 2015. Collection method: clinical testing. Allele origin: unknown.

GeneDx
Classification: Likely benign. Last evaluated: 2020-11-30. Review status: criteria provided, single submitter. Criteria: GeneDx Variant Classification Process June 2021. Collection method: clinical testing. Allele origin: germline. Affected: yes.
Comment: See Variant Classification Assertion Criteria.